The following is an entry in ClinVar:

NM_006767.4(LZTR1):c.943G>C (p.Asp315His)

Gene: LZTR1 (leucine zipper like post translational regulator 1; plus strand). Cytogenetic location: 22q11.21.
Variant type: single nucleotide variant.
Coding change: c.943G>C on transcript NM_006767.4 (MANE Select); coding-DNA position 943, G replaced by C.
Protein change: p.Asp315His; replaces aspartic acid 315 with histidine.
Molecular consequence: missense variant.
Genome position (GRCh38, 1-based): chr22:20,991,779, G>C. VCF-style: chr22-20991779-G-C. GRCh37 (hg19) VCF-style: chr22-21346068-G-C.
Other names: short protein forms D315H.
Identifiers: ClinVar variation 4859385 (VCV004859385.1).

ClinVar aggregate classification (germline): Uncertain significance (1 of 4 stars; one submission).

Conditions:
Cardiovascular phenotype. Identifiers: MedGen CN230736.
Hereditary cancer-predisposing syndrome. Also called: Neoplastic Syndromes, Hereditary; Tumor predisposition; Hereditary Cancer Syndrome; Hereditary neoplastic syndrome. Identifiers: Orphanet 140162, MedGen C0027672, MeSH D009386, MONDO:0015356.

Submission:

Ambry Genetics
Classification: Uncertain significance for Cardiovascular phenotype; Hereditary cancer-predisposing syndrome. Last evaluated: 2026-04-16. Review status: criteria provided, single submitter. Criteria: Ambry Variant Classification Scheme 2023. Collection method: clinical testing. Allele origin: germline.
Comment: The p.D315H variant (also known as c.943G>C), located in coding exon 9 of the LZTR1 gene, results from a G to C substitution at nucleotide position 943. The aspartic acid at codon 315 is replaced by histidine, an amino acid with similar properties. This amino acid position is conserved. In addition, this alteration is predicted to be deleterious by in silico analysis. Based on the available evidence, the clinical significance of this variant remains unclear.